The following is an entry in ClinVar:

NM_001376.5(DYNC1H1):c.5344C>A (p.Leu1782Met)

Gene: DYNC1H1 (dynein cytoplasmic 1 heavy chain 1; plus strand). Cytogenetic location: 14q32.31.
Variant type: single nucleotide variant.
Coding change: c.5344C>A on transcript NM_001376.5 (MANE Select); coding-DNA position 5344, C replaced by A.
Protein change: p.Leu1782Met; replaces leucine 1782 with methionine.
Molecular consequence: missense variant.
Genome position (GRCh38, 1-based): chr14:102,005,147, C>A. VCF-style: chr14-102005147-C-A. GRCh37 (hg19) VCF-style: chr14-102471484-C-A.
Other names: short protein forms L1782M.
Identifiers: ClinVar variation 2441053 (VCV002441053.5), dbSNP rs2503739956, ClinGen allele CA391046668.

ClinVar aggregate classification (germline): Uncertain significance. Review status: criteria provided, multiple submitters, no conflicts (2 of 4 stars). 3 submissions from 3 submitters: Uncertain significance (3). Last evaluated 2025-12-14.

Conditions:
Charcot-Marie-Tooth disease axonal type 2O. Also called: CHARCOT-MARIE-TOOTH NEUROPATHY, AXONAL, TYPE 2O; CHARCOT-MARIE-TOOTH DISEASE, AXONAL, AUTOSOMAL DOMINANT, TYPE 2O; Charcot-Marie-Tooth Neuropathy Type 2O; Charcot-Marie-Tooth disease, axonal, type 20. Identifiers: Orphanet 284232, MedGen C3280220, MONDO:0013644, OMIM 614228.

Submissions (3):

Labcorp Genetics (formerly Invitae), Labcorp
Classification: Uncertain significance for Charcot-Marie-Tooth disease axonal type 2O. Last evaluated: 2025-12-14. Review status: criteria provided, single submitter. Criteria: Invitae Variant Classification Sherloc (09022015). Collection method: clinical testing. Allele origin: germline.
Comment: This sequence change replaces leucine, which is neutral and non-polar, with methionine, which is neutral and non-polar, at codon 1782 of the DYNC1H1 protein (p.Leu1782Met). This variant is not present in population databases (gnomAD no frequency). This variant has not been reported in the literature in individuals affected with DYNC1H1-related conditions. ClinVar contains an entry for this variant (Variation ID: 2441053). Invitae Evidence Modeling of protein sequence and biophysical properties (such as structural, functional, and spatial information, amino acid conservation, physicochemical variation, residue mobility, and thermodynamic stability) has been performed for this missense variant. However, the output from this modeling did not meet the statistical confidence thresholds required to predict the impact of this variant on DYNC1H1 protein function. In summary, the available evidence is currently insufficient to determine the role of this variant in disease. Therefore, it has been classified as a Variant of Uncertain Significance.

GeneDx
Classification: Uncertain significance. Last evaluated: 2024-01-19. Review status: criteria provided, single submitter. Criteria: GeneDx Variant Classification Process June 2021. Collection method: clinical testing. Allele origin: germline. Affected: yes.
Comment: Not observed at significant frequency in large population cohorts (gnomAD); In silico analysis supports that this missense variant does not alter protein structure/function; Has not been previously published as pathogenic or benign to our knowledge; This variant is associated with the following publications: (PMID: 25512093, 25609763, 26100331)

Revvity Omics, Revvity
Classification: Uncertain significance. Last evaluated: 2021-09-16. Review status: criteria provided, single submitter. Criteria: ACMG Guidelines, 2015. Collection method: clinical testing. Allele origin: germline.